The following is an entry in ClinVar:

NM_001394372.1(BICRA):c.1966G>A (p.Ala656Thr)

Gene: BICRA (BRD4 interacting chromatin remodeling complex associated protein; plus strand). Cytogenetic location: 19q13.33.
Variant type: single nucleotide variant.
Coding change: c.1966G>A on transcript NM_001394372.1 (MANE Select); coding-DNA position 1966, G replaced by A.
Protein change: p.Ala656Thr; replaces alanine 656 with threonine.
Molecular consequence: missense variant.
Genome position (GRCh38, 1-based): chr19:47,681,136, G>A. VCF-style: chr19-47681136-G-A. GRCh37 (hg19) VCF-style: chr19-48184393-G-A.
Other names: c.1966G>A, p.Ala656Thr (NM_015711.3); short protein forms A656T.
Identifiers: ClinVar variation 4645908 (VCV004645908.1).

ClinVar aggregate classification (germline): Uncertain significance (1 of 4 stars; one submission).

gnomAD v4.1: 10 of 1,352,474 alleles (0.00074%); highest among the groups gnomAD compares: East Asian, 0.003%; no homozygotes.

Submission:

Ambry Genetics
Classification: Uncertain significance. Last evaluated: 2025-10-28. Review status: criteria provided, single submitter. Criteria: Ambry Variant Classification Scheme 2023. Collection method: clinical testing. Allele origin: germline.
Comment: The c.1966G>A (p.A656T) alteration is located in exon 6 (coding exon 4) of the GLTSCR1 gene. This alteration results from a G to A substitution at nucleotide position 1966, causing the alanine (A) at amino acid position 656 to be replaced by a threonine (T). Based on data from gnomAD, the A allele has an overall frequency of 0.001% (1/115308) total alleles studied. The highest observed frequency was 0.002% (1/43316) of European (non-Finnish) alleles. Based on insufficient or conflicting evidence, the clinical significance of this alteration remains unclear.